The following is an entry in ClinVar:

NM_024334.3(TMEM43):c.513-125C>T

Gene: TMEM43 (transmembrane protein 43; plus strand). Cytogenetic location: 3p25.1.
Variant type: single nucleotide variant.
Coding change: c.513-125C>T on transcript NM_024334.3 (MANE Select); 125 bases into the intron before coding-DNA position 513, C replaced by T.
Molecular consequence: intron variant.
Genome position (GRCh38, 1-based): chr3:14,133,614, C>T. VCF-style: chr3-14133614-C-T. GRCh37 (hg19) VCF-style: chr3-14175114-C-T.
Identifiers: ClinVar variation 676348 (VCV000676348.1), dbSNP rs78384995, ClinGen allele CA69730445.
Genomic context (GRCh38, chr3:14,133,614, plus strand): 5'-GCTCAGCCCAGGGGAGGGGGCACAGGGCCCCTGGGGGTGGACAGGACAAGATGTCTGCTG[C>T]GCCTGGGCTAATCTGGACTTGCAGGAACCCCCGGGTGGGGACCCTGCCCAGCACAAACAA-3'

ClinVar aggregate classification (germline): Likely benign (1 of 4 stars; one submission).

Allele frequency attached by ClinVar (database versions not stated): 1000 Genomes Project 0.00519; 1000 Genomes Project 30x 0.00531; gnomAD 0.00607 and 0.00665; TOPMed 0.00693.
gnomAD v4.1: 1,434 of 870,302 alleles (0.16%); highest among the groups gnomAD compares: African/African-American, 2.1%; 13 homozygotes.

Submission:

GeneDx
Classification: Likely benign. Last evaluated: 2018-06-16. Review status: criteria provided, single submitter. Criteria: GeneDx Variant Classification (06012015). Collection method: clinical testing. Allele origin: germline. Affected: yes.
Comment: This variant is considered likely benign or benign based on one or more of the following criteria: it is a conservative change, it occurs at a poorly conserved position in the protein, it is predicted to be benign by multiple in silico algorithms, and/or has population frequency not consistent with disease.